The following is an entry in ClinVar:

NM_017570.5(OPLAH):c.135C>T (p.Asp45=)

Gene: OPLAH (5-oxoprolinase, ATP-hydrolysing; minus strand). Cytogenetic location: 8q24.3.
Variant type: single nucleotide variant.
Coding change: c.135C>T on transcript NM_017570.5 (MANE Select); coding-DNA position 135, C replaced by T.
Protein change: p.Asp45=; no amino-acid change (aspartic acid 45 retained).
Molecular consequence: synonymous variant.
Genome position (GRCh38, 1-based): chr8:144,059,898, G>A on the plus strand (C>T on the coding strand, the complement: OPLAH is on the minus strand). VCF-style: chr8-144059898-G-A. GRCh37 (hg19) VCF-style: chr8-145114801-G-A.
Identifiers: ClinVar variation 946293 (VCV000946293.3), dbSNP rs373510142, ClinGen allele CA4932402.

ClinVar aggregate classification (germline): Uncertain significance. Review status: criteria provided, single submitter (1 of 4 stars). 2 submissions from 2 submitters: Uncertain significance (1). 1 of the submissions does not count toward it. Last evaluated 2019-04-11.

Conditions:
5-Oxoprolinase deficiency (OPLAHD). Also called: 5-OXOPROLINURIA DUE TO 5-OXOPROLINASE DEFICIENCY. Identifiers: Orphanet 33572, MedGen C0268525, MONDO:0009825, OMIM 260005, HP:0040142.
OPLAH-related disorder. Also called: OPLAH-related condition.

Allele frequency attached by ClinVar (database versions not stated): gnomAD exomes 0.00004; ExAC 0.00005; gnomAD 0.00005 and 0.00006; TOPMed 0.00005; ESP Exome Variant Server 0.00008.
gnomAD v4.1: 65 of 1,612,654 alleles (0.004%); highest among the groups gnomAD compares: Admixed American, 0.012%; no homozygotes.

Submissions (2):

Labcorp Genetics (formerly Invitae), Labcorp
Classification: Uncertain significance for 5-Oxoprolinase deficiency. Last evaluated: 2019-04-11. Review status: criteria provided, single submitter. Criteria: Invitae Variant Classification Sherloc (09022015). Collection method: clinical testing. Allele origin: germline.
Comment: This sequence change affects codon 45 of the OPLAH mRNA. It is a 'silent' change, meaning that it does not change the encoded amino acid sequence of the OPLAH protein. This variant is present in population databases (rs373510142, ExAC 0.03%). This variant has not been reported in the literature in individuals with OPLAH-related conditions. In summary, the available evidence is currently insufficient to determine the role of this variant in disease. Therefore, it has been classified as a Variant of Uncertain Significance.

PreventionGenetics, part of Exact Sciences
Classification: Likely benign for OPLAH-related condition. Last evaluated: 2019-07-18. Review status: no assertion criteria provided. Collection method: clinical testing. Allele origin: germline. Not counted in ClinVar's aggregate classification.
Comment: This variant is classified as likely benign based on ACMG/AMP sequence variant interpretation guidelines (Richards et al. 2015 PMID: 25741868, with internal and published modifications).